The following is an entry in ClinVar:

ClinVar aggregate classification (germline): Likely benign (1 of 4 stars; one submission).

Allele frequency attached by ClinVar (database versions not stated): gnomAD exomes 0.00003; ExAC 0.00010; 1000 Genomes Project 30x 0.00016; 1000 Genomes Project 0.00020.

Submission:

CeGaT Center for Human Genetics Tuebingen
Classification: Likely benign. Last evaluated: 2023-03-01. Review status: criteria provided, single submitter. Criteria: CeGaT Center For Human Genetics Tuebingen Variant Classification Criteria Version 2. Collection method: clinical testing. Allele origin: germline. Affected: yes. Observed: 1 variant allele.
Comment: AHNAK2: BP4, BP7

NM_138420.4(AHNAK2):c.7638A>G (p.Gln2546=)

Gene: AHNAK2 (AHNAK nucleoprotein 2; minus strand). Cytogenetic location: 14q32.33.
Variant type: single nucleotide variant.
Coding change: c.7638A>G on transcript NM_138420.4 (MANE Select); coding-DNA position 7638, A replaced by G.
Protein change: p.Gln2546=; no amino-acid change (glutamine 2546 retained).
Molecular consequence: synonymous variant.
Genome position (GRCh38, 1-based): chr14:104,947,813, T>C on the plus strand (A>G on the coding strand, the complement: AHNAK2 is on the minus strand). VCF-style: chr14-104947813-T-C. GRCh37 (hg19) VCF-style: chr14-105414150-T-C.
Other names: c.7338A>G, p.Gln2446= (NM_001350929.2).
Identifiers: ClinVar variation 2644720 (VCV002644720.24), dbSNP rs537650544, ClinGen allele CA7380464.